The following is an entry in ClinVar:

NM_014003.4(DHX38):c.2770A>G (p.Met924Val)

Gene: DHX38 (DEAH-box helicase 38; plus strand). Cytogenetic location: 16q22.2.
Variant type: single nucleotide variant.
Coding change: c.2770A>G on transcript NM_014003.4 (MANE Select); coding-DNA position 2770, A replaced by G.
Protein change: p.Met924Val; replaces methionine 924 with valine.
Molecular consequence: missense variant.
Genome position (GRCh38, 1-based): chr16:72,107,509, A>G. VCF-style: chr16-72107509-A-G. GRCh37 (hg19) VCF-style: chr16-72141408-A-G.
Other names: c.2770A>G (NM_014003.3); short protein forms M924V.
Identifiers: ClinVar variation 1490301 (VCV001490301.11), dbSNP rs201233417, ClinGen allele CA8160747.

ClinVar aggregate classification (germline): Uncertain significance. Review status: criteria provided, multiple submitters, no conflicts (2 of 4 stars). 3 submissions from 3 submitters: Uncertain significance (3). Last evaluated 2023-09-13.

Allele frequency attached by ClinVar (database versions not stated): gnomAD exomes 0.00001 and 0.00002; ExAC 0.00002.
gnomAD v4.1: 21 of 1,614,056 alleles (0.0013%); highest among the groups gnomAD compares: East Asian, 0.013%; no homozygotes.

Submissions (3):

Ambry Genetics
Classification: Uncertain significance. Last evaluated: 2023-09-13. Review status: criteria provided, single submitter. Criteria: Ambry Variant Classification Scheme 2023. Collection method: clinical testing. Allele origin: germline.

Blueprint Genetics
Classification: Uncertain significance. Last evaluated: 2022-09-29. Review status: criteria provided, single submitter. Criteria: ACMG Guidelines, 2015. Collection method: clinical testing. Allele origin: germline.

Labcorp Genetics (formerly Invitae), Labcorp
Classification: Uncertain significance. Last evaluated: 2022-07-12. Review status: criteria provided, single submitter. Criteria: Invitae Variant Classification Sherloc (09022015). Collection method: clinical testing. Allele origin: germline.
Comment: Algorithms developed to predict the effect of missense changes on protein structure and function are either unavailable or do not agree on the potential impact of this missense change (SIFT: "Tolerated"; PolyPhen-2: "Possibly Damaging"; Align-GVGD: "Class C0"). In summary, the available evidence is currently insufficient to determine the role of this variant in disease. Therefore, it has been classified as a Variant of Uncertain Significance. ClinVar contains an entry for this variant (Variation ID: 1490301). This variant has not been reported in the literature in individuals affected with DHX38-related conditions. This variant is present in population databases (rs201233417, gnomAD 0.01%). This sequence change replaces methionine, which is neutral and non-polar, with valine, which is neutral and non-polar, at codon 924 of the DHX38 protein (p.Met924Val).